The following is an entry in ClinVar:

ClinVar aggregate classification (germline): Uncertain significance. Review status: criteria provided, multiple submitters, no conflicts (2 of 4 stars). 2 submissions from 2 submitters: Uncertain significance (2). Last evaluated 2023-12-06.

Allele frequency attached by ClinVar (database versions not stated): gnomAD exomes below 0.00001; TOPMed below 0.00001; ExAC 0.00001.
gnomAD v4.1: 5 of 1,614,240 alleles (0.00031%); highest among the groups gnomAD compares: East Asian, 0.0022%; no homozygotes.

Submissions (2):

Labcorp Genetics (formerly Invitae), Labcorp
Classification: Uncertain significance. Last evaluated: 2023-12-06. Review status: criteria provided, single submitter. Criteria: Invitae Variant Classification Sherloc (09022015). Collection method: clinical testing. Allele origin: germline.
Comment: This sequence change replaces valine, which is neutral and non-polar, with methionine, which is neutral and non-polar, at codon 554 of the IGF1R protein (p.Val554Met). This variant is present in population databases (rs776619640, gnomAD 0.006%). This missense change has been observed in individual(s) with short stature (PMID: 30848790). Advanced modeling of protein sequence and biophysical properties (such as structural, functional, and spatial information, amino acid conservation, physicochemical variation, residue mobility, and thermodynamic stability) performed at Invitae indicates that this missense variant is not expected to disrupt IGF1R protein function with a negative predictive value of 80%. In summary, the available evidence is currently insufficient to determine the role of this variant in disease. Therefore, it has been classified as a Variant of Uncertain Significance.

GeneDx
Classification: Uncertain significance. Last evaluated: 2023-06-23. Review status: criteria provided, single submitter. Criteria: GeneDx Variant Classification Process June 2021. Collection method: clinical testing. Allele origin: germline. Affected: yes.
Comment: Reported heterozygous in one individual from cohort of patients with known IGF1R variants; however, no further clinical information was provided (Walenkamp et al., 2019); In silico analysis supports that this missense variant does not alter protein structure/function; This variant is associated with the following publications: (PMID: 30848790)

Literature cited by the submitters: PubMed 30848790 (cited by Labcorp Genetics (formerly Invitae), Labcorp).

NM_000875.5(IGF1R):c.1660G>A (p.Val554Met)

Gene: IGF1R (insulin like growth factor 1 receptor; plus strand). Cytogenetic location: 15q26.3.
Variant type: single nucleotide variant.
Coding change: c.1660G>A on transcript NM_000875.5 (MANE Select); coding-DNA position 1660, G replaced by A.
Protein change: p.Val554Met; replaces valine 554 with methionine.
Molecular consequence: missense variant.
Genome position (GRCh38, 1-based): chr15:98,913,114, G>A. VCF-style: chr15-98913114-G-A. GRCh37 (hg19) VCF-style: chr15-99456343-G-A.
Other names: c.1660G>A, p.Val554Met (NM_001291858.2); c.1660G>A (NM_000875.3); short protein forms V554M.
Identifiers: ClinVar variation 2907475 (VCV002907475.4), dbSNP rs776619640, ClinGen allele CA7752161.